The following is an entry in ClinVar:

ClinVar aggregate classification (germline): Conflicting classifications of pathogenicity. Review status: criteria provided, conflicting classifications (1 of 4 stars). 11 submissions from 9 submitters: Uncertain significance (4); Benign (1); Likely benign (6). Last evaluated 2025-12-16.

Conditions:
TNNT2-related disorder. Also called: TNNT2-related condition.
Hypertrophic cardiomyopathy 2. Also called: TNNT2-Related Familial Hypertrophic Cardiomyopathy. Identifiers: MedGen C1861864, MONDO:0007266, OMIM 115195.
Dilated cardiomyopathy 1D. Identifiers: Orphanet 154, Orphanet 54260, MedGen C1832243, MONDO:0011095, OMIM 601494.
Cardiomyopathy, familial restrictive, 3. Identifiers: Orphanet 75249, MedGen C2676271, MONDO:0012900, OMIM 612422.
Cardiomyopathy (CMYO). Also called: Cardiomyopathies. Identifiers: Orphanet 167848, MedGen C0878544, MONDO:0004994, HP:0001638. Inheritance: Various modes of inheritance.

Allele frequency attached by ClinVar (database versions not stated): ExAC 0.00001; gnomAD exomes 0.00002; TOPMed 0.00002.
gnomAD v4.1: 60 of 1,613,614 alleles (0.0037%); highest among the groups gnomAD compares: African/African-American, 0.02%; 2 homozygotes.

Submissions (11):

Labcorp Genetics (formerly Invitae), Labcorp
Classification: Likely benign for Cardiomyopathy, familial restrictive, 3; Hypertrophic cardiomyopathy 2; Dilated cardiomyopathy 1D. Last evaluated: 2025-12-16. Review status: criteria provided, single submitter. Criteria: Invitae Variant Classification Sherloc (09022015). Collection method: clinical testing. Allele origin: germline.

PreventionGenetics, part of Exact Sciences
Classification: Likely benign for TNNT2-related condition. Last evaluated: 2025-10-10. Review status: criteria provided, single submitter. Criteria: ACMG Guidelines, 2015. Collection method: clinical testing. Allele origin: germline.
Comment: This variant is classified as likely benign based on ACMG/AMP sequence variant interpretation guidelines (Richards et al. 2015 PMID: 25741868, with internal and published modifications).

Women's Health and Genetics/Laboratory Corporation of America, LabCorp
Classification: Likely benign. Last evaluated: 2025-04-29. Review status: criteria provided, single submitter. Criteria: LabCorp Variant Classification Summary - May 2015. Collection method: clinical testing. Allele origin: germline.
Comment: Variant summary: TNNT2 c.690-6G>A alters a non-conserved nucleotide located at a position not widely known to affect splicing. Consensus agreement among computation tools predict no significant impact on normal splicing. However, these predictions have yet to be confirmed by functional studies. The variant allele was found at a frequency of 1.6e-05 in 251442 control chromosomes. The available data on variant occurrences in the general population are insufficient to allow any conclusion about variant significance. c.690-6G>A has been reported in the literature in individuals affected with dilated- and hypertrophic cardiomyopathy (Morales_2010, Pugh_2014). These report(s) do not provide unequivocal conclusions about association of the variant with Cardiomyopathy. To our knowledge, no experimental evidence demonstrating an impact on protein function has been reported. The following publications have been ascertained in the context of this evaluation (PMID: 20973921, 27841901, 24503780). ClinVar contains an entry for this variant (Variation ID: 43665). Based on the evidence outlined above, the variant was classified as likely benign.

All of Us Research Program, National Institutes of Health
Classification: Likely benign for Cardiomyopathy. Last evaluated: 2024-01-03. Review status: criteria provided, single submitter. Criteria: ACMG Guidelines, 2015. Collection method: clinical testing. Allele origin: germline. Inheritance: Autosomal dominant inheritance. Observed: 7 variant alleles, 7 heterozygotes.
Comment: This study involves interpretation of variants in research participants for the purpose of population health screening. Participant phenotype was not available at the time of variant classification. Additional details can be found in publication PMID: 35346344, PMCID: PMC8962531

Laboratory for Molecular Medicine, Mass General Brigham Personalized Medicine
Classification: Uncertain significance. Last evaluated: 2023-02-07. Review status: criteria provided, single submitter. Criteria: ACMG Guidelines, 2015. Collection method: clinical testing. Allele origin: germline.
Comment: The c.690-6G>A variant in TNNT2 has been identified in 2 individuals with dilated cardiomyopathy (DCM) who also carried a potentially disease-causing variant in TNNT2, which was confirmed in cis in one of these individuals, as well as 1 individual with hypertrophic cardiomyopathy (HCM; Morales 2010 PMID: 20973921, Ntusi 2016 PMID: 27841901, LMM data). This variant has also been reported by other clinical laboratories in ClinVar (Variation ID 43665) and has been identified in 0.00065% (1/15284) of Latino chromosomes by gnomAD (v.3.2.1). This variant is located in the 3' splice region. Computational tools do not suggest an impact to splicing. However, this information is not predictive enough to rule out pathogenicity. In summary, while the clinical significance of this variant is uncertain, these data suggest that it is more likely to be benign. ACMG/AMP Criteria applied: BP2, PM2_Supporting.

Blueprint Genetics
Classification: Likely benign. Last evaluated: 2021-12-08. Review status: criteria provided, single submitter. Criteria: ACMG Guidelines, 2015. Collection method: clinical testing. Allele origin: germline.

Color Diagnostics, LLC DBA Color Health
Classification: Likely benign for Cardiomyopathy. Last evaluated: 2019-10-22. Review status: criteria provided, single submitter. Criteria: ACMG Guidelines, 2015. Collection method: clinical testing. Allele origin: germline.

Illumina Laboratory Services, Illumina
Classification: Uncertain significance for Hypertrophic cardiomyopathy 2. Last evaluated: 2017-04-28. Review status: criteria provided, single submitter. Criteria: ICSL Variant Classification Criteria 13 December 2019. Collection method: clinical testing. Allele origin: germline.

Illumina Laboratory Services, Illumina
Classification: Uncertain significance for Dilated cardiomyopathy 1D. Last evaluated: 2017-04-28. Review status: criteria provided, single submitter. Criteria: ICSL Variant Classification Criteria 13 December 2019. Collection method: clinical testing. Allele origin: germline.
Comment: This variant was observed as part of a predisposition screen in an ostensibly healthy population. A literature search was performed for the gene, cDNA change, and amino acid change (where applicable). Publications were found based on this search. However, the evidence from the literature, in combination with allele frequency data from public databases where available, was not sufficient to rule this variant in or out of causing disease. Therefore, this variant is classified as a variant of unknown significance.

Illumina Laboratory Services, Illumina
Classification: Uncertain significance for Cardiomyopathy, familial restrictive, 3. Last evaluated: 2017-04-28. Review status: criteria provided, single submitter. Criteria: ICSL Variant Classification Criteria 13 December 2019. Collection method: clinical testing. Allele origin: germline.

GeneDx
Classification: Benign. Last evaluated: 2015-05-08. Review status: criteria provided, single submitter. Criteria: GeneDx Variant Classification (06012015). Collection method: clinical testing. Allele origin: germline. Affected: yes.
Comment: This variant is considered likely benign or benign based on one or more of the following criteria: it is a conservative change, it occurs at a poorly conserved position in the protein, it is predicted to be benign by multiple in silico algorithms, and/or has population frequency not consistent with disease.

Literature cited by the submitters: PubMed 20973921 (cited by 3 submitters); PubMed 24503780 (cited by Women's Health and Genetics/Laboratory Corporation of America, LabCorp); PubMed 27841901 (cited by Women's Health and Genetics/Laboratory Corporation of America, LabCorp and Laboratory for Molecular Medicine, Mass General Brigham Personalized Medicine).

NM_001276345.2(TNNT2):c.720-6G>A

Gene: TNNT2 (troponin T2, cardiac type; minus strand). Cytogenetic location: 1q32.1.
Variant type: single nucleotide variant.
Coding change: c.720-6G>A on transcript NM_001276345.2 (MANE Select); 6 bases into the intron before coding-DNA position 720, G replaced by A.
Molecular consequence: intron variant.
Genome position (GRCh38, 1-based): chr1:201,361,375, C>T on the plus strand (G>A on the coding strand, the complement: TNNT2 is on the minus strand). VCF-style: chr1-201361375-C-T. GRCh37 (hg19) VCF-style: chr1-201330503-C-T.
Other names: c.672-6G>A (NM_001001432.3); c.681-6G>A (NM_001001431.3); c.690-6G>A (NM_001001430.3, NM_001276347.2); c.591-6G>A (NM_001276346.2); c.711-6G>A (NM_000364.4).
Identifiers: ClinVar variation 43665 (VCV000043665.26), dbSNP rs113471285, ClinGen allele CA004991.